The following is an entry in ClinVar:

ClinVar aggregate classification (germline): Uncertain significance (1 of 4 stars; one submission).

Conditions:
RYR1-related disorder. Also called: RYR1-related condition; RYR1-related disorders. Identifiers: MedGen CN239331.

Allele frequency attached by ClinVar (database versions not stated): gnomAD exomes below 0.00001.
gnomAD v4.1: 2 of 1,613,756 alleles (0.00012%); highest among the groups gnomAD compares: Non-Finnish European, 0.00017%; no homozygotes.

Submission:

Labcorp Genetics (formerly Invitae), Labcorp
Classification: Uncertain significance for RYR1-related disorder. Last evaluated: 2022-04-15. Review status: criteria provided, single submitter. Criteria: Invitae Variant Classification Sherloc (09022015). Collection method: clinical testing. Allele origin: germline.
Comment: This sequence change replaces glutamic acid, which is acidic and polar, with lysine, which is basic and polar, at codon 1740 of the RYR1 protein (p.Glu1740Lys). This variant is present in population databases (no rsID available, gnomAD 0.0009%). This variant has not been reported in the literature in individuals affected with RYR1-related conditions. Advanced modeling of protein sequence and biophysical properties (such as structural, functional, and spatial information, amino acid conservation, physicochemical variation, residue mobility, and thermodynamic stability) performed at Invitae indicates that this missense variant is not expected to disrupt RYR1 protein function. In summary, the available evidence is currently insufficient to determine the role of this variant in disease. Therefore, it has been classified as a Variant of Uncertain Significance.

NM_000540.3(RYR1):c.5218G>A (p.Glu1740Lys)

Gene: RYR1 (ryanodine receptor 1; plus strand). Cytogenetic location: 19q13.2.
Variant type: single nucleotide variant.
Coding change: c.5218G>A on transcript NM_000540.3 (MANE Select); coding-DNA position 5218, G replaced by A.
Protein change: p.Glu1740Lys; replaces glutamic acid 1740 with lysine.
Molecular consequence: missense variant.
Genome position (GRCh38, 1-based): chr19:38,485,873, G>A. VCF-style: chr19-38485873-G-A. GRCh37 (hg19) VCF-style: chr19-38976513-G-A.
Other names: c.5218G>A, p.Glu1740Lys (NM_001042723.2); short protein forms E1740K.
Identifiers: ClinVar variation 2163001 (VCV002163001.4), dbSNP rs1169938399, ClinGen allele CA405654200.